The following is an entry in ClinVar:

ClinVar aggregate classification (germline): Pathogenic/Likely pathogenic. Review status: criteria provided, multiple submitters, no conflicts (2 of 4 stars). 2 submissions from 2 submitters: Pathogenic (1); Likely pathogenic (1). Last evaluated 2025-02-03.

Conditions:
Neurodevelopmental disorder with growth retardation, dysmorphic facies, and corpus callosum abnormalities. Identifiers: MedGen C5774251, MONDO:0859312, OMIM 620113.

Allele frequency attached by ClinVar (database versions not stated): gnomAD exomes below 0.00001.
gnomAD v4.1: 8 of 1,579,872 alleles (0.00051%); highest among the groups gnomAD compares: Non-Finnish European, 0.00052%; no homozygotes.

Submissions (2):

3billion
Classification: Pathogenic for Neurodevelopmental disorder with growth retardation, dysmorphic facies, and corpus callosum abnormalities. Last evaluated: 2025-02-03. Review status: criteria provided, single submitter. Criteria: ACMG Guidelines, 2015. Collection method: clinical testing. Allele origin: germline. Affected: yes.
Comment: The variant is observed at an extremely low frequency in the gnomAD v4.1.0 dataset (total allele frequency: <0.001%). Predicted Consequence/Location: Canonical splice site: predicted to alter splicing and result in a loss or disruption of normal protein function. Multiple pathogenic loss-of-function variants are reported downstream of the variant. The variant has been reported to be associated with FRA10AC1-related disorder (ClinVar ID: VCV003064736). Therefore, this variant is classified as Pathogenic according to the recommendation of ACMG/AMP guideline.

Genomic Medicine Center of Excellence, King Faisal Specialist Hospital and Research Centre
Classification: Likely pathogenic for Neurodevelopmental disorder with growth retardation, dysmorphic facies, and corpus callosum abnormalities. Last evaluated: 2024-03-29. Review status: criteria provided, single submitter. Criteria: ACMG Guidelines, 2015. Collection method: clinical testing. Allele origin: germline.

NM_145246.5(FRA10AC1):c.380+1G>A

Gene: FRA10AC1 (FRA10A associated CGG repeat 1; minus strand). Cytogenetic location: 10q23.33.
Variant type: single nucleotide variant.
Coding change: c.380+1G>A on transcript NM_145246.5 (MANE Select); the canonical splice donor site of the intron after coding-DNA position 380, G replaced by A.
Molecular consequence: splice donor variant.
Genome position (GRCh38, 1-based): chr10:93,692,645, C>T on the plus strand (G>A on the coding strand, the complement: FRA10AC1 is on the minus strand). VCF-style: chr10-93692645-C-T. GRCh37 (hg19) VCF-style: chr10-95452402-C-T.
Other names: c.380+1G>A (NM_001347714.2, NM_001347715.2, NM_001347713.2 and 1 more transcripts).
Identifiers: ClinVar variation 3064736 (VCV003064736.2), dbSNP rs2492694754, ClinGen allele CA377634723.